The following is an entry in ClinVar:

NM_014336.5(AIPL1):c.190G>A (p.Gly64Arg)

Gene: AIPL1 (AIP like 1 HSP90 co-chaperone; minus strand). Cytogenetic location: 17p13.2.
Variant type: single nucleotide variant.
Coding change: c.190G>A on transcript NM_014336.5 (MANE Select); coding-DNA position 190, G replaced by A.
Protein change: p.Gly64Arg; replaces glycine 64 with arginine.
Molecular consequence: missense variant. On other transcripts: intron variant (1).
Genome position (GRCh38, 1-based): chr17:6,434,005, C>T on the plus strand (G>A on the coding strand, the complement: AIPL1 is on the minus strand). VCF-style: chr17-6434005-C-T. GRCh37 (hg19) VCF-style: chr17-6337325-C-T.
Other names: NM_014336.5(AIPL1):c.190G>A; p.Gly64Arg; c.154G>A, p.Gly52Arg (NM_001285399.3); c.124G>A, p.Gly42Arg (NM_001285400.3); c.190G>A, p.Gly64Arg (NM_001285401.3, NM_001285403.4, NM_001033054.3); c.73G>A, p.Gly25Arg (NM_001285402.2); c.96+1004G>A (NM_001033055.3); short protein forms G25R, G42R, G52R, G64R.
Identifiers: ClinVar variation 867104 (VCV000867104.4), dbSNP rs776024427, ClinGen allele CA8328596.

ClinVar aggregate classification (germline): Likely pathogenic. Review status: reviewed by expert panel (3 of 4 stars). 4 submissions from 4 submitters: Likely pathogenic (1). 3 of the submissions do not count toward it. Last evaluated 2025-09-29.

Conditions:
AIPL1-related retinopathy. Also called: AIPL1 retinopathy. Identifiers: MedGen CN305590, MONDO:0100438.
Leber congenital amaurosis 4 (LCA4). Identifiers: MedGen C1858386, MONDO:0011458, OMIM 604393.
AIPL1-related disorder. Also called: AIPL1-related condition; AIPL1-related disorders. Identifiers: MedGen CN239169.

Allele frequency attached by ClinVar (database versions not stated): TOPMed 0.00002; gnomAD 0.00003.
gnomAD v4.1: 31 of 1,614,006 alleles (0.0019%); highest among the groups gnomAD compares: African/African-American, 0.0027%; no homozygotes.

Submissions (4):

ClinGen Leber Congenital Amaurosis/early Onset Retinal Dystrophy Variant Curation Expert Panel, ClinGen
Classification: Likely pathogenic for AIPL1-related retinopathy. Last evaluated: 2025-09-29. Review status: reviewed by expert panel. Criteria: ClinGen LCAeoRD ACMG Specifications AIPL1 V1.0.0. Collection method: curation. Allele origin: germline. Inheritance: Autosomal recessive inheritance.
Comment: NM_014336.5(AIPL1):c.190G>A (p.Gly64Arg) is a missense variant predicted to replace glycine with arginine at amino acid p.64. This variant is present in gnomAD v.4.1.0 at a total allele frequency of 0.00001921, with 31 / 1614006 total alleles, which is lower than the ClinGen LCA/eoRD VCEP PM2_Supporting threshold of <0.0004 (PM2_Supporting). This variant has been reported in at least 2 probands with early-onset severe retinal dystrophy who were compound heterozygous with the p.Trp278Ter variant confirmed in trans (VCEP member data, 1 pt) and suspected in trans (PMID:22412862, PMID: 25596619, 0.5 points), which was previously classified pathogenic by the ClinGen LCA/eoRD VCEP (1.5 total points, PM3). At least one proband harboring this variant exhibits a phenotype including diagnosis of LCA (0.5 pts), onset between birth and age ten years (1 pt), nystagmus (1 pt), RPE mottling (0.5 pts), and evidence of cone involvement on ERG (1 pt) which together are specific for AIPL1-related retinopathy (total 4 points, PMID: 22412862, PP4). The computational predictor REVEL gives a score of 0.949, which is above the ClinGen LCA/eoRD VCEP threshold of ≥0.93 and predicts a damaging effect on AIPL1 protein function (PP3_Strong). Cells exogenously expressing the variant protein exhibit more than 60% reduction of cGMP levels relative to the wild-type control, which was equivalent to the control lacking AIPL1 (PMID: 28973376, PS3_Supporting). In summary, this variant meets the criteria to be classified as Likely Pathogenic for AIPL1-related retinopathy based on the ACMG/AMP criteria applied, as specified by the ClinGen LCA/eoRD VCEP: PP3_Strong, PM3, PM2_Supporting, PP4, and PS3_Supporting. (VCEP specifications version 1.0.0; date of approval 09/24/2025).

Labcorp Genetics (formerly Invitae), Labcorp
Classification: Uncertain significance for Leber congenital amaurosis 4. Last evaluated: 2024-08-07. Review status: criteria provided, single submitter. Criteria: Invitae Variant Classification Sherloc (09022015). Collection method: clinical testing. Allele origin: germline. Not counted in ClinVar's aggregate classification.
Comment: This sequence change replaces glycine, which is neutral and non-polar, with arginine, which is basic and polar, at codon 64 of the AIPL1 protein (p.Gly64Arg). This variant is present in population databases (rs776024427, gnomAD 0.003%). This missense change has been observed in individual(s) with Leber congenital amaurosis (PMID: 22412862, 25596619). ClinVar contains an entry for this variant (Variation ID: 867104). Advanced modeling of protein sequence and biophysical properties (such as structural, functional, and spatial information, amino acid conservation, physicochemical variation, residue mobility, and thermodynamic stability) performed at Invitae indicates that this missense variant is expected to disrupt AIPL1 protein function with a positive predictive value of 80%. Experimental studies have shown that this missense change affects AIPL1 function (PMID: 28973376). In summary, the available evidence is currently insufficient to determine the role of this variant in disease. Therefore, it has been classified as a Variant of Uncertain Significance.

Blueprint Genetics
Classification: Likely pathogenic for AIPL1-related disorders. Last evaluated: 2022-05-01. Review status: criteria provided, single submitter. Criteria: ACMG Guidelines, 2015. Collection method: clinical testing. Allele origin: germline. Affected: yes. Observed: 3 variant alleles. Not counted in ClinVar's aggregate classification.

Ocular Genomics Institute, Massachusetts Eye and Ear
Classification: Likely pathogenic for Leber congenital amaurosis 4. Last evaluated: 2021-04-08. Review status: criteria provided, single submitter. Criteria: ACMG Guidelines, 2015. Collection method: research. Allele origin: germline. Affected: yes. Not counted in ClinVar's aggregate classification.
Comment: Through a review of available evidence we were able to apply the following criteria: PM2, PP3, PS1, PP1. Based on this evidence we have classified this variant as Likely Pathogenic.

Literature cited by the submitters: PubMed 22412862 (cited by Labcorp Genetics (formerly Invitae), Labcorp and Ocular Genomics Institute, Massachusetts Eye and Ear); PubMed 25596619 (cited by Labcorp Genetics (formerly Invitae), Labcorp and Ocular Genomics Institute, Massachusetts Eye and Ear); PubMed 28973376 (cited by Labcorp Genetics (formerly Invitae), Labcorp).